The following is an entry in ClinVar:

NM_000719.7(CACNA1C):c.1396A>G (p.Met466Val)

Gene: CACNA1C (calcium voltage-gated channel subunit alpha1 C; plus strand). Cytogenetic location: 12p13.33.
Variant type: single nucleotide variant.
Coding change: c.1396A>G on transcript NM_000719.7 (MANE Select); coding-DNA position 1396, A replaced by G.
Protein change: p.Met466Val; replaces methionine 466 with valine.
Molecular consequence: missense variant.
Genome position (GRCh38, 1-based): chr12:2,549,948, A>G. VCF-style: chr12-2549948-A-G. GRCh37 (hg19) VCF-style: chr12-2659114-A-G.
Other names: c.1396A>G, p.Met466Val (NM_001167623.2, NM_001167624.3, NM_001167625.2 and 18 more transcripts); c.1387A>G, p.Met463Val (NM_001129844.2); short protein forms M466V, M463V.
Identifiers: ClinVar variation 665321 (VCV000665321.9), dbSNP rs1599718305, ClinGen allele CA383368118.

ClinVar aggregate classification (germline): Uncertain significance (1 of 4 stars; one submission).

Conditions:
Long QT syndrome (LQTS). Identifiers: MedGen C0023976, MeSH D008133, MONDO:0002442. Disease mechanism: loss of function. Inheritance: Various modes of inheritance.

Submission:

Labcorp Genetics (formerly Invitae), Labcorp
Classification: Uncertain significance for Long QT syndrome. Last evaluated: 2023-05-08. Review status: criteria provided, single submitter. Criteria: Invitae Variant Classification Sherloc (09022015). Collection method: clinical testing. Allele origin: germline.
Comment: This sequence change replaces methionine, which is neutral and non-polar, with valine, which is neutral and non-polar, at codon 466 of the CACNA1C protein (p.Met466Val). This variant is not present in population databases (gnomAD no frequency). This variant has not been reported in the literature in individuals affected with CACNA1C-related conditions. ClinVar contains an entry for this variant (Variation ID: 665321). Advanced modeling of protein sequence and biophysical properties (such as structural, functional, and spatial information, amino acid conservation, physicochemical variation, residue mobility, and thermodynamic stability) performed at Invitae indicates that this missense variant is not expected to disrupt CACNA1C protein function. In summary, the available evidence is currently insufficient to determine the role of this variant in disease. Therefore, it has been classified as a Variant of Uncertain Significance.